The following is an entry in ClinVar:

NM_001457.4(FLNB):c.5816C>T (p.Thr1939Met)

Gene: FLNB (filamin B; plus strand). Cytogenetic location: 3p14.3.
Variant type: single nucleotide variant.
Coding change: c.5816C>T on transcript NM_001457.4 (MANE Select); coding-DNA position 5816, C replaced by T.
Protein change: p.Thr1939Met; replaces threonine 1939 with methionine.
Molecular consequence: missense variant.
Genome position (GRCh38, 1-based): chr3:58,148,293, C>T. VCF-style: chr3-58148293-C-T. GRCh37 (hg19) VCF-style: chr3-58134020-C-T.
Other names: c.5909C>T, p.Thr1970Met (NM_001164317.2); c.5783C>T, p.Thr1928Met (NM_001164318.2); c.5744C>T, p.Thr1915Met (NM_001164319.2); short protein forms T1939M, T1915M, T1928M, T1970M.
Identifiers: ClinVar variation 346351 (VCV000346351.38), dbSNP rs372372509, ClinGen allele CA2469161.
Genomic context (GRCh38, chr3:58,148,293, plus strand): 5'-AGTTGGGCTCAGCCGCTGACTTCCTGCTCGACATCAGTGAGACTGACCTCAGCAGCCTGA[C>T]GGCCAGCATTAAGGCCCCATCTGGCCGAGACGAGCCCTGTCTCCTGAAGAGGCTGCCCAA-3'
Protein context (NP_001448.2, residues 1929-1949): DISETDLSSL[Thr1939Met]ASIKAPSGRD

ClinVar aggregate classification (germline): Conflicting classifications of pathogenicity. Review status: criteria provided, conflicting classifications (1 of 4 stars). 6 submissions from 6 submitters: Uncertain significance (1); Likely benign (3). 2 of the submissions do not count toward it. Last evaluated 2025-03-05.

Conditions:
FLNB-Related Spectrum Disorders.

Allele frequency attached by ClinVar (database versions not stated): gnomAD 0.00001 and 0.00008; TOPMed 0.00003; ESP Exome Variant Server 0.00008; gnomAD exomes 0.00020 and 0.00030; ExAC 0.00038; 1000 Genomes Project 0.00040; 1000 Genomes Project 30x 0.00047.
gnomAD v4.1: 300 of 1,614,112 alleles (0.019%); highest among the groups gnomAD compares: South Asian, 0.25%; 3 homozygotes.

Submissions (6):

Labcorp Genetics (formerly Invitae), Labcorp
Classification: Likely benign. Last evaluated: 2025-03-05. Review status: criteria provided, single submitter. Criteria: Invitae Variant Classification Sherloc (09022015). Collection method: clinical testing. Allele origin: germline.

GeneDx
Classification: Uncertain significance. Last evaluated: 2024-07-01. Review status: criteria provided, single submitter. Criteria: GeneDx Variant Classification Process June 2021. Collection method: clinical testing. Allele origin: germline. Affected: yes.
Comment: In silico analysis supports that this missense variant has a deleterious effect on protein structure/function; Has not been previously published as pathogenic or benign to our knowledge

CeGaT Center for Human Genetics Tuebingen
Classification: Likely benign. Last evaluated: 2022-07-01. Review status: criteria provided, single submitter. Criteria: CeGaT Center For Human Genetics Tuebingen Variant Classification Criteria Version 2. Collection method: clinical testing. Allele origin: germline. Affected: yes. Observed: 1 variant allele.
Comment: FLNB: BS2

Illumina Laboratory Services, Illumina
Classification: Likely benign for FLNB-Related Spectrum Disorders. Last evaluated: 2018-01-13. Review status: criteria provided, single submitter. Criteria: ICSL Variant Classification Criteria 13 December 2019. Collection method: clinical testing. Allele origin: germline.
Comment: This variant was observed in the ICSL laboratory as part of a predisposition screen in an ostensibly healthy population. It had not been previously curated by ICSL or reported in the Human Gene Mutation Database (HGMD: prior to June 1st, 2018), and was therefore a candidate for classification through an automated scoring system. Utilizing variant allele frequency, disease prevalence and penetrance estimates, and inheritance mode, an automated score was calculated to assess if this variant is too frequent to cause the disease. Based on the score and internal cut-off values, a variant classified as likely benign is not then subjected to further curation. The score for this variant resulted in a classification of likely benign for this disease.

Clinical Genetics DNA and cytogenetics Diagnostics Lab, Erasmus MC, Erasmus Medical Center
Classification: Uncertain significance. Review status: no assertion criteria provided. Collection method: clinical testing. Allele origin: germline. Affected: yes. Study: VKGL Data-share Consensus. Not counted in ClinVar's aggregate classification.

Laboratory of Diagnostic Genome Analysis, Leiden University Medical Center (LUMC)
Classification: Uncertain significance. Review status: no assertion criteria provided. Collection method: clinical testing. Allele origin: germline. Affected: yes. Study: VKGL Data-share Consensus. Not counted in ClinVar's aggregate classification.